The following is an entry in ClinVar:

NM_014365.3(HSPB8):c.134C>G (p.Thr45Arg)

Gene: HSPB8 (heat shock protein family B (small) member 8; plus strand). Cytogenetic location: 12q24.23.
Variant type: single nucleotide variant.
Coding change: c.134C>G on transcript NM_014365.3 (MANE Select); coding-DNA position 134, C replaced by G.
Protein change: p.Thr45Arg; replaces threonine 45 with arginine.
Molecular consequence: missense variant.
Genome position (GRCh38, 1-based): chr12:119,179,446, C>G. VCF-style: chr12-119179446-C-G. GRCh37 (hg19) VCF-style: chr12-119617251-C-G.
Other names: short protein forms T45R.
Identifiers: ClinVar variation 1054940 (VCV001054940.9), dbSNP rs1249375553, ClinGen allele CA386524453.

ClinVar aggregate classification (germline): Uncertain significance (1 of 4 stars; one submission).

Conditions:
Charcot-Marie-Tooth disease axonal type 2L. Also called: Charcot-Marie-Tooth Neuropathy Type 2L; CHARCOT-MARIE-TOOTH DISEASE, AXONAL, AUTOSOMAL DOMINANT, TYPE 2L; CHARCOT-MARIE-TOOTH NEUROPATHY, AXONAL, TYPE 2L. Identifiers: Orphanet 99945, MedGen C1837552, MONDO:0012096, OMIM 608673.

Submission:

Labcorp Genetics (formerly Invitae), Labcorp
Classification: Uncertain significance for Charcot-Marie-Tooth disease axonal type 2L. Last evaluated: 2023-02-15. Review status: criteria provided, single submitter. Criteria: Invitae Variant Classification Sherloc (09022015). Collection method: clinical testing. Allele origin: germline.
Comment: This variant has not been reported in the literature in individuals affected with HSPB8-related conditions. ClinVar contains an entry for this variant (Variation ID: 1054940). An algorithm developed to predict the effect of missense changes on protein structure and function (PolyPhen-2) suggests that this variant is likely to be disruptive. In summary, the available evidence is currently insufficient to determine the role of this variant in disease. Therefore, it has been classified as a Variant of Uncertain Significance. This variant is not present in population databases (gnomAD no frequency). This sequence change replaces threonine, which is neutral and polar, with arginine, which is basic and polar, at codon 45 of the HSPB8 protein (p.Thr45Arg).